The following is an entry in ClinVar:

ClinVar aggregate classification (germline): Pathogenic (1 of 4 stars; one submission).

Submission:

Labcorp Genetics (formerly Invitae), Labcorp
Classification: Pathogenic. Last evaluated: 2022-07-16. Review status: criteria provided, single submitter. Criteria: Invitae Variant Classification Sherloc (09022015). Collection method: clinical testing. Allele origin: germline.
Comment: For these reasons, this variant has been classified as Pathogenic. This variant has not been reported in the literature in individuals affected with NDUFS4-related conditions. This variant is a gross deletion of the genomic region encompassing exon(s) 1 of the NDUFS4 gene, which includes the initiator codon. This deletion extends beyond the assayed region for this gene and therefore may encompass additional genes. It is expected to result in an absent or disrupted protein product. Loss-of-function variants in NDUFS4 are known to be pathogenic (PMID: 10944442, 16213125).

Literature cited by the submitters: PubMed 10944442; PubMed 16213125.

NC_000005.9:g.(?_52856493)_(52856610_?)del

Gene: NDUFS4 (NADH:ubiquinone oxidoreductase subunit S4; plus strand). Cytogenetic location: 5q11.2.
Variant type: Deletion.
Identifiers: ClinVar variation 2424473 (VCV002424473.4).